The following is an entry in ClinVar:

ClinVar aggregate classification (germline): Uncertain significance (1 of 4 stars; one submission).

Submission:

Mayo Clinic Laboratories, Mayo Clinic
Classification: Uncertain significance. Last evaluated: 2024-12-31. Review status: criteria provided, single submitter. Criteria: ACMG Guidelines, 2015. Collection method: clinical testing. Allele origin: germline. Observed: 1 variant allele.
Comment: PM2_moderate

NM_001378609.3(OTOGL):c.3334-4A>C

Gene: OTOGL (otogelin like; plus strand). Cytogenetic location: 12q21.31.
Variant type: single nucleotide variant.
Coding change: c.3334-4A>C on transcript NM_001378609.3 (MANE Select); 4 bases into the intron before coding-DNA position 3334, A replaced by C.
Molecular consequence: intron variant.
Genome position (GRCh38, 1-based): chr12:80,310,607, A>C. VCF-style: chr12-80310607-A-C. GRCh37 (hg19) VCF-style: chr12-80704387-A-C.
Other names: p.?; c.3199-4A>C (NM_001368062.3); c.3334-4A>C (NM_001378610.3, NM_173591.7).
Identifiers: ClinVar variation 4541736 (VCV004541736.1).